The following is an entry in ClinVar:

NM_001083116.3(PRF1):c.1143C>A (p.Cys381Ter)

Gene: PRF1 (perforin 1; minus strand). Cytogenetic location: 10q22.1.
Variant type: single nucleotide variant.
Coding change: c.1143C>A on transcript NM_001083116.3 (MANE Select); coding-DNA position 1143, C replaced by A.
Protein change: p.Cys381Ter; replaces cysteine 381 with a stop codon.
Molecular consequence: nonsense.
Genome position (GRCh38, 1-based): chr10:70,598,578, G>T on the plus strand (C>A on the coding strand, the complement: PRF1 is on the minus strand). VCF-style: chr10-70598578-G-T. GRCh37 (hg19) VCF-style: chr10-72358334-G-T.
Other names: c.1143C>A, p.Cys381Ter (NM_005041.6); short protein forms C381*.
Identifiers: ClinVar variation 5004370 (VCV005004370.1).

ClinVar aggregate classification (germline): Pathogenic (1 of 4 stars; one submission).

Conditions:
Familial hemophagocytic lymphohistiocytosis 2 (FHL2). Also called: PRF1-Related Familial Hemophagocytic Lymphohistiocytosis (PRF1-fHLH). Identifiers: Orphanet 540, MedGen C1863727, MONDO:0011337, OMIM 603553.

gnomAD v4.1: 1 of 1,612,336 alleles (0.000062%); highest among the groups gnomAD compares: African/African-American, 0.0013%; no homozygotes.

Submission:

Myriad Genetics, Inc.
Classification: Pathogenic for Familial hemophagocytic lymphohistiocytosis 2. Last evaluated: 2026-06-22. Review status: criteria provided, single submitter. Criteria: Myriad Autosomal Dominant, Autosomal Recessive and X-Linked Classification Criteria (2023). Collection method: clinical testing. Allele origin: unknown.
Comment: NM_001083116.1(PRF1):c.1143C>A(C381*) is a nonsense variant classified as pathogenic in the context of familial hemophagocytic lymphohistiocytosis, PRF1-related. C381* has been observed in a case with relevant disease (PMID: 32914282). Relevant functional assessments of this variant are not available in the literature. C381* has not been observed in referenced population frequency databases. In summary, NM_001083116.1(PRF1):c.1143C>A(C381*) is a nonsense variant in a gene where loss of function is a known mechanism of disease, is predicted to disrupt protein function, and has been observed more frequently in cases with the relevant disease than in healthy populations. Please note: this variant was assessed in the context of healthy population screening.

Literature cited by the submitters: PubMed 32914282.